The following is an entry in ClinVar:

ClinVar aggregate classification (germline): Likely pathogenic. Review status: criteria provided, multiple submitters, no conflicts (2 of 4 stars). 3 submissions from 3 submitters: Likely pathogenic (2). 1 of the submissions does not count toward it. Last evaluated 2024-12-04.

Conditions:
Mucolipidosis type IV (ML4). Also called: ML IV. Identifiers: Orphanet 578, MedGen C0238286, MONDO:0009653, OMIM 252650.

Allele frequency attached by ClinVar (database versions not stated): gnomAD exomes below 0.00001 and 0.00004; ExAC 0.00001; gnomAD 0.00001.
gnomAD v4.1: 59 of 1,602,154 alleles (0.0037%); highest among the groups gnomAD compares: Non-Finnish European, 0.005%; no homozygotes.

Submissions (3):

Natera, Inc.
Classification: Likely pathogenic for Mucolipidosis type IV. Last evaluated: 2024-12-04. Review status: criteria provided, single submitter. Criteria: Natera Variant Classification Schema (03/2026). Collection method: clinical testing. Allele origin: germline.
Comment: The c.681-19A>C variant in MCOLN1 is an intronic variant located outside the canonical splice sites. This variant is rare in the general population with a frequency below the threshold expected for the associated phenotype(s). This variant has been observed in one or more individuals affected with the associated recessive disease, as either homozygous or compound heterozygous with a second variant (PMID: 36344503, 28604674). This variant has been observed to segregate in affected family members (PMID: 36344503). Given the available evidence, this variant is classified as Likely Pathogenic.

Labcorp Genetics (formerly Invitae), Labcorp
Classification: Likely pathogenic for Mucolipidosis type IV. Last evaluated: 2023-10-03. Review status: criteria provided, single submitter. Criteria: Invitae Variant Classification Sherloc (09022015). Collection method: clinical testing. Allele origin: germline.
Comment: This sequence change falls in intron 5 of the MCOLN1 gene. It does not directly change the encoded amino acid sequence of the MCOLN1 protein. RNA analysis indicates that this variant induces altered splicing and may result in an absent or disrupted protein product. This variant is present in population databases (rs768736321, gnomAD 0.007%). This variant has been observed in individual(s) with MCOLN1-related conditions (PMID: 28604674). In at least one individual the data is consistent with being in trans (on the opposite chromosome) from a pathogenic variant. ClinVar contains an entry for this variant (Variation ID: 557604). Variants that disrupt the consensus splice site are a relatively common cause of aberrant splicing (PMID: 17576681, 9536098). Studies have shown that this variant results in intron retention and introduces a premature termination codon (PMID: 28604674). The resulting mRNA is expected to undergo nonsense-mediated decay. In summary, the currently available evidence indicates that the variant is pathogenic, but additional data are needed to prove that conclusively. Therefore, this variant has been classified as Likely Pathogenic.

Counsyl
Classification: Uncertain significance for Mucolipidosis type IV. Last evaluated: 2018-04-02. Review status: no assertion criteria provided. Collection method: clinical testing. Allele origin: unknown. Not counted in ClinVar's aggregate classification.

Literature cited by the submitters: PubMed 36344503 (cited by Natera, Inc.); PubMed 28604674 (cited by 3 submitters); PubMed 17576681 (cited by Labcorp Genetics (formerly Invitae), Labcorp); PubMed 9536098 (cited by Labcorp Genetics (formerly Invitae), Labcorp).

NM_020533.3(MCOLN1):c.681-19A>C

Gene: MCOLN1 (mucolipin TRP cation channel 1; plus strand). Cytogenetic location: 19p13.2.
Variant type: single nucleotide variant.
Coding change: c.681-19A>C on transcript NM_020533.3 (MANE Select); 19 bases into the intron before coding-DNA position 681, A replaced by C.
Molecular consequence: intron variant.
Genome position (GRCh38, 1-based): chr19:7,527,845, A>C. VCF-style: chr19-7527845-A-C. GRCh37 (hg19) VCF-style: chr19-7592731-A-C.
Identifiers: ClinVar variation 557604 (VCV000557604.9), dbSNP rs768736321, ClinGen allele CA9138869.